The following is an entry in ClinVar:

NM_000520.6(HEXA):c.746G>A (p.Arg249Gln)

Gene: HEXA (hexosaminidase subunit alpha; minus strand). Cytogenetic location: 15q23.
Variant type: single nucleotide variant.
Coding change: c.746G>A on transcript NM_000520.6 (MANE Select); coding-DNA position 746, G replaced by A.
Protein change: p.Arg249Gln; replaces arginine 249 with glutamine.
Molecular consequence: missense variant. On other transcripts: non-coding transcript variant (1).
Genome position (GRCh38, 1-based): chr15:72,350,577, C>T on the plus strand (G>A on the coding strand, the complement: HEXA is on the minus strand). VCF-style: chr15-72350577-C-T. GRCh37 (hg19) VCF-style: chr15-72642918-C-T.
Other names: c.746G>A (NM_000520.5); c.779G>A, p.Arg260Gln (NM_001318825.2); short protein forms R249Q, R260Q.
Identifiers: ClinVar variation 1426855 (VCV001426855.7), dbSNP rs1297800753, ClinGen allele CA393063120.

ClinVar aggregate classification (germline): Uncertain significance. Review status: criteria provided, multiple submitters, no conflicts (2 of 4 stars). 3 submissions from 3 submitters: Uncertain significance (3). Last evaluated 2024-10-23.

Conditions:
Tay-Sachs disease (TSD). Also called: HEXA DEFICIENCY; GM2 gangliosidosis, type 1; Hexosaminidase alpha-subunit deficiency (variant B); Sphingolipidosis, Tay-Sachs; HEXA Disorders; Hexosaminidase A Deficiency. Identifiers: Orphanet 845, MedGen C0039373, MONDO:0010100, OMIM 272800.

Allele frequency attached by ClinVar (database versions not stated): gnomAD exomes below 0.00001; TOPMed 0.00002.
gnomAD v4.1: 3 of 1,613,996 alleles (0.00019%); highest among the groups gnomAD compares: Non-Finnish European, 0.00017%; no homozygotes.

Submissions (3):

Labcorp Genetics (formerly Invitae), Labcorp
Classification: Uncertain significance for Tay-Sachs disease. Last evaluated: 2024-10-23. Review status: criteria provided, single submitter. Criteria: Invitae Variant Classification Sherloc (09022015). Collection method: clinical testing. Allele origin: germline.
Comment: This sequence change replaces arginine, which is basic and polar, with glutamine, which is neutral and polar, at codon 249 of the HEXA protein (p.Arg249Gln). This variant is not present in population databases (gnomAD no frequency). This variant has not been reported in the literature in individuals affected with HEXA-related conditions. ClinVar contains an entry for this variant (Variation ID: 1426855). Invitae Evidence Modeling of protein sequence and biophysical properties (such as structural, functional, and spatial information, amino acid conservation, physicochemical variation, residue mobility, and thermodynamic stability) has been performed for this missense variant. However, the output from this modeling did not meet the statistical confidence thresholds required to predict the impact of this variant on HEXA protein function. In summary, the available evidence is currently insufficient to determine the role of this variant in disease. Therefore, it has been classified as a Variant of Uncertain Significance.

Women's Health and Genetics/Laboratory Corporation of America, LabCorp
Classification: Uncertain significance. Last evaluated: 2023-06-27. Review status: criteria provided, single submitter. Criteria: LabCorp Variant Classification Summary - May 2015. Collection method: clinical testing. Allele origin: germline.
Comment: Variant summary: HEXA c.746G>A (p.Arg249Gln) results in a conservative amino acid change located in the Glycoside hydrolase family 20, catalytic domain (IPR015883) of the encoded protein sequence. Four of five in-silico tools predict a damaging effect of the variant on protein function. The variant was absent in 251478 control chromosomes (gnomAD). The available data on variant occurrences in the general population are insufficient to allow any conclusion about variant significance. To our knowledge, no occurrence of c.746G>A in individuals affected with Tay-Sachs Disease and no experimental evidence demonstrating its impact on protein function have been reported. One submitter has cited clinical-significance assessments for this variant to ClinVar after 2014 and has classified the variant as uncertain significance. Based on the evidence outlined above, the variant was classified as uncertain significance.

ARUP Laboratories, Molecular Genetics and Genomics, ARUP Laboratories
Classification: Uncertain significance. Last evaluated: 2023-02-02. Review status: criteria provided, single submitter. Criteria: ARUP Molecular Germline Variant Investigation Process 2024. Collection method: clinical testing. Allele origin: germline.
Comment: The HEXA c.746G>A; p.Arg249Gln variant (rs1297800753), to our knowledge, is not reported in the medical literature but is reported in ClinVar (Variation ID: 1426855). This variant is absent from the Genome Aggregation Database, indicating it is not a common polymorphism. Additionally, one pseudodeficiency variant at this codon (c.745C>T; p.Arg249Trp) has been reported and is considered benign (Cao 1993). Computational analyses predict that this variant is deleterious (REVEL: 0.944). Due to limited information, the clinical significance of this variant is uncertain at this time. References: Cao Z et al. A second mutation associated with apparent beta-hexosaminidase A pseudodeficiency: identification and frequency estimation. Am J Hum Genet. 1993 Dec;53(6):1198-205. PMID: 7902672.